The following is an entry in ClinVar:

ClinVar aggregate classification (germline): Uncertain significance (1 of 4 stars; one submission).

Allele frequency attached by ClinVar (database versions not stated): gnomAD exomes below 0.00001; TOPMed 0.00001.
gnomAD v4.1: 5 of 1,614,118 alleles (0.00031%); highest among the groups gnomAD compares: African/African-American, 0.0027%; no homozygotes.

Submission:

Ambry Genetics
Classification: Uncertain significance. Last evaluated: 2024-04-07. Review status: criteria provided, single submitter. Criteria: Ambry Variant Classification Scheme 2023. Collection method: clinical testing. Allele origin: germline.
Comment: The p.S377N variant (also known as c.1130G>A), located in coding exon 9 of the FAM175A gene, results from a G to A substitution at nucleotide position 1130. The serine at codon 377 is replaced by asparagine, an amino acid with highly similar properties. This amino acid position is conserved. In addition, this alteration is predicted to be tolerated by in silico analysis. Since supporting evidence is limited at this time, the clinical significance of this alteration remains unclear.

NM_139076.3(ABRAXAS1):c.1130G>A (p.Ser377Asn)

Gene: ABRAXAS1 (abraxas 1, BRCA1 A complex subunit; minus strand). Cytogenetic location: 4q21.23.
Variant type: single nucleotide variant.
Coding change: c.1130G>A on transcript NM_139076.3 (MANE Select); coding-DNA position 1130, G replaced by A.
Protein change: p.Ser377Asn; replaces serine 377 with asparagine.
Molecular consequence: missense variant.
Genome position (GRCh38, 1-based): chr4:83,462,569, C>T on the plus strand (G>A on the coding strand, the complement: ABRAXAS1 is on the minus strand). VCF-style: chr4-83462569-C-T. GRCh37 (hg19) VCF-style: chr4-84383722-C-T.
Other names: c.803G>A, p.Ser268Asn (NM_001345962.2); short protein forms S268N, S377N.
Identifiers: ClinVar variation 1799637 (VCV001799637.3), dbSNP rs1298747950, ClinGen allele CA357255072.
Genomic context (GRCh38, chr4:83,462,569, plus strand): 5'-ATCTTTTCAATTTCTTCATCTGTTTCTGGGCTGCTCATTTTGGATGCTTTATCTTGGTTA[C>T]TACTACCAGTATCTGCTTTAGATCGTTTGTCTTGTGTATCTAACAACCGAGATCTCTTGA-3'
Protein context (NP_620775.2, residues 367-387): DKRSKADTGS[Ser377Asn]NQDKASKMSS